The following is an entry in ClinVar:

ClinVar aggregate classification (germline): Uncertain significance (1 of 4 stars; one submission).

Conditions:
Infantile-onset ascending hereditary spastic paralysis (IAHSP). Also called: Infantile-Onset Ascending Hereditary Spastic Paralysis (IAHSP); Autosomal Recessive Juvenile Amyotrophic Lateral Sclerosis. Identifiers: Orphanet 293168, MedGen C2931441, MONDO:0011797, OMIM 607225. Disease mechanism: loss of function.

Allele frequency attached by ClinVar (database versions not stated): TOPMed below 0.00001; gnomAD 0.00001; gnomAD exomes 0.00001; ExAC 0.00002.
gnomAD v4.1: 21 of 1,613,984 alleles (0.0013%); highest among the groups gnomAD compares: Non-Finnish European, 0.0018%; no homozygotes.

Submission:

Labcorp Genetics (formerly Invitae), Labcorp
Classification: Uncertain significance for Infantile-onset ascending hereditary spastic paralysis. Last evaluated: 2022-01-24. Review status: criteria provided, single submitter. Criteria: Invitae Variant Classification Sherloc (09022015). Collection method: clinical testing. Allele origin: germline.
Comment: This variant has not been reported in the literature in individuals affected with ALS2-related conditions. In summary, the available evidence is currently insufficient to determine the role of this variant in disease. Therefore, it has been classified as a Variant of Uncertain Significance. Algorithms developed to predict the effect of missense changes on protein structure and function are either unavailable or do not agree on the potential impact of this missense change (SIFT: "Deleterious"; PolyPhen-2: "Probably Damaging"; Align-GVGD: "Class C0"). This variant is present in population databases (rs771086819, gnomAD 0.005%). This sequence change replaces histidine, which is basic and polar, with tyrosine, which is neutral and polar, at codon 774 of the ALS2 protein (p.His774Tyr).

NM_020919.4(ALS2):c.2320C>T (p.His774Tyr)

Gene: ALS2 (alsin Rho guanine nucleotide exchange factor ALS2; minus strand). Cytogenetic location: 2q33.1.
Variant type: single nucleotide variant.
Coding change: c.2320C>T on transcript NM_020919.4 (MANE Select); coding-DNA position 2320, C replaced by T.
Protein change: p.His774Tyr; replaces histidine 774 with tyrosine.
Molecular consequence: missense variant.
Genome position (GRCh38, 1-based): chr2:201,741,705, G>A on the plus strand (C>T on the coding strand, the complement: ALS2 is on the minus strand). VCF-style: chr2-201741705-G-A. GRCh37 (hg19) VCF-style: chr2-202606428-G-A.
Other names: c.2320C>T, p.His774Tyr (NM_001410975.1); short protein forms H774Y.
Identifiers: ClinVar variation 1990990 (VCV001990990.4), dbSNP rs771086819, ClinGen allele CA2058233.